The following is an entry in ClinVar:

ClinVar aggregate classification (germline): Uncertain significance (1 of 4 stars; one submission).

Conditions:
Cardiovascular phenotype. Identifiers: MedGen CN230736.

Submission:

Ambry Genetics
Classification: Uncertain significance for Cardiovascular phenotype. Last evaluated: 2025-01-07. Review status: criteria provided, single submitter. Criteria: Ambry Variant Classification Scheme 2023. Collection method: clinical testing. Allele origin: germline.
Comment: The p.M8I variant (also known as c.24G>A), located in coding exon 1 of the TPM1 gene, results from a G to A substitution at nucleotide position 24. The methionine at codon 8 is replaced by isoleucine, an amino acid with highly similar properties. This amino acid position is highly conserved in available vertebrate species. In addition, this alteration is predicted to be deleterious by in silico analysis. Based on the available evidence, the clinical significance of this variant remains unclear.

NM_001018005.2(TPM1):c.24G>A (p.Met8Ile)

Gene: TPM1 (tropomyosin 1; plus strand). Cytogenetic location: 15q22.2.
Variant type: single nucleotide variant.
Coding change: c.24G>A on transcript NM_001018005.2 (MANE Select); coding-DNA position 24, G replaced by A.
Protein change: p.Met8Ile; replaces methionine 8 with isoleucine.
Molecular consequence: missense variant. On other transcripts: non-coding transcript variant (11).
Genome position (GRCh38, 1-based): chr15:63,042,853, G>A. VCF-style: chr15-63042853-G-A. GRCh37 (hg19) VCF-style: chr15-63335052-G-A.
Other names: c.24G>A, p.Met8Ile (NM_000366.6, NM_001018004.2, NM_001018006.2 and 24 more transcripts); short protein forms M8I.
Identifiers: ClinVar variation 3809809 (VCV003809809.1).